The following is an entry in ClinVar:

NM_030665.4(RAI1):c.761G>T (p.Ser254Ile)

Gene: RAI1 (retinoic acid induced 1; plus strand). Cytogenetic location: 17p11.2.
Variant type: single nucleotide variant.
Coding change: c.761G>T on transcript NM_030665.4 (MANE Select); coding-DNA position 761, G replaced by T.
Protein change: p.Ser254Ile; replaces serine 254 with isoleucine.
Molecular consequence: missense variant.
Genome position (GRCh38, 1-based): chr17:17,793,709, G>T. VCF-style: chr17-17793709-G-T. GRCh37 (hg19) VCF-style: chr17-17697023-G-T.
Other names: c.761G>T (NM_030665.3); short protein forms S254I.
Identifiers: ClinVar variation 1447133 (VCV001447133.11), dbSNP rs2032111580, ClinGen allele CA398546152.

ClinVar aggregate classification (germline): Uncertain significance. Review status: criteria provided, multiple submitters, no conflicts (2 of 4 stars). 3 submissions from 3 submitters: Uncertain significance (3). Last evaluated 2025-08-06.

Conditions:
Inborn genetic diseases. Identifiers: MedGen C0950123, MeSH D030342.
RAI1-related disorder. Also called: RAI1-related condition.

Allele frequency attached by ClinVar (database versions not stated): gnomAD exomes 0.00001.
gnomAD v4.1: 10 of 1,613,012 alleles (0.00062%); highest among the groups gnomAD compares: Middle Eastern, 0.033%; no homozygotes.

Submissions (3):

Ambry Genetics
Classification: Uncertain significance for Inborn genetic diseases. Last evaluated: 2025-08-06. Review status: criteria provided, single submitter. Criteria: Ambry Variant Classification Scheme 2023. Collection method: clinical testing. Allele origin: germline.

PreventionGenetics, part of Exact Sciences
Classification: Uncertain significance for RAI1-related condition. Last evaluated: 2025-06-19. Review status: criteria provided, single submitter. Criteria: ACMG Guidelines, 2015. Collection method: clinical testing. Allele origin: germline.
Comment: The RAI1 c.761G>T variant is predicted to result in the amino acid substitution p.Ser254Ile. To our knowledge, this variant has not been reported in the literature or in a large population database, indicating this variant is rare. At this time, the clinical significance of this variant is uncertain due to the absence of conclusive functional and genetic evidence.

Labcorp Genetics (formerly Invitae), Labcorp
Classification: Uncertain significance. Last evaluated: 2024-11-06. Review status: criteria provided, single submitter. Criteria: Invitae Variant Classification Sherloc (09022015). Collection method: clinical testing. Allele origin: germline.
Comment: This sequence change replaces serine, which is neutral and polar, with isoleucine, which is neutral and non-polar, at codon 254 of the RAI1 protein (p.Ser254Ile). This variant is not present in population databases (gnomAD no frequency). This variant has not been reported in the literature in individuals affected with RAI1-related conditions. ClinVar contains an entry for this variant (Variation ID: 1447133). An algorithm developed to predict the effect of missense changes on protein structure and function (PolyPhen-2) suggests that this variant is likely to be tolerated. In summary, the available evidence is currently insufficient to determine the role of this variant in disease. Therefore, it has been classified as a Variant of Uncertain Significance.